The following is an entry in ClinVar:

ClinVar aggregate classification (germline): Pathogenic. Review status: criteria provided, multiple submitters, no conflicts (2 of 4 stars). 4 submissions from 4 submitters: Pathogenic (4). Last evaluated 2025-04-15.

Conditions:
CYBB-related disorders.
Primary immunodeficiency or monogenic inflammatory bowel disease.
Granulomatous disease, chronic, X-linked. Also called: GRANULOMATOUS DISEASE, CHRONIC, X-LINKED, SOMATIC MOSAIC; CYTOCHROME b-NEGATIVE GRANULOMATOUS DISEASE, CHRONIC, X-LINKED. Identifiers: Orphanet 379, MedGen C1844376, MONDO:0010600, OMIM 306400.

Submissions (4):

Labcorp Genetics (formerly Invitae), Labcorp
Classification: Pathogenic for Granulomatous disease, chronic, X-linked. Last evaluated: 2025-04-15. Review status: criteria provided, single submitter. Criteria: Invitae Variant Classification Sherloc (09022015). Collection method: clinical testing. Allele origin: germline.
Comment: This sequence change creates a premature translational stop signal (p.Ile189Serfs*24) in the CYBB gene. It is expected to result in an absent or disrupted protein product. Loss-of-function variants in CYBB are known to be pathogenic (PMID: 9585602, 20729109). This variant is not present in population databases (gnomAD no frequency). This premature translational stop signal has been observed in individual(s) with chronic granulomatous disease (PMID: 20729109). For these reasons, this variant has been classified as Pathogenic.

North West Genomic Laboratory Hub, Manchester University NHS Foundation Trust
Classification: Pathogenic for Primary immunodeficiency or monogenic inflammatory bowel disease. Last evaluated: 2024-01-25. Review status: criteria provided, single submitter. Criteria: ACGS Best Practice Guidelines for Variant Classification in Rare Disease 2020. Collection method: clinical testing. Allele origin: germline. Affected: yes.
Comment: PVS1_VStr PM6_Str PM2_Mod PP4_Supp PS4_Mod

Blueprint Genetics
Classification: Pathogenic for CYBB-related disorders. Last evaluated: 2018-04-26. Review status: criteria provided, single submitter. Criteria: ACMG Guidelines, 2015. Collection method: clinical testing. Allele origin: germline. Affected: yes. Observed: 1 variant allele.

GeneDx
Classification: Pathogenic. Last evaluated: 2016-09-26. Review status: criteria provided, single submitter. Criteria: GeneDx Variant Classification (06012015). Collection method: clinical testing. Allele origin: germline. Affected: yes.
Comment: The c.565_568delATTA pathogenic variant in the CYBB gene has been reported previously in association with X-linked chronic granulomatous disease (Roos et al., 2010). The deletion causes a frameshift starting with codon Isoleucine 189, changes this amino acid to a Serine residue and creates a premature Stop codon at position 24 of the new reading frame, denoted p.Ile189SerfsX24. This pathogenic variant is predicted to cause loss of normal protein function either through protein truncation or nonsense-mediated mRNA decay. Therefore, we consider this variant to be pathogenic.

Literature cited by the submitters: PubMed 9585602 (cited by Labcorp Genetics (formerly Invitae), Labcorp); PubMed 20729109 (cited by Labcorp Genetics (formerly Invitae), Labcorp).

NM_000397.4(CYBB):c.565_568del (p.Ile189fs)

Gene: CYBB (cytochrome b-245 beta chain; plus strand). Cytogenetic location: Xp21.1.
Variant type: Microsatellite.
Coding change: c.565_568del on transcript NM_000397.4 (MANE Select); coding-DNA positions 565 to 568, 4 bases deleted (ATTA; older notation c.565_568delATTA).
Protein change: p.Ile189fs; shifts the reading frame from isoleucine 189.
Molecular consequence: frameshift variant.
Genome position (GRCh38, 1-based): chrX:37,796,032-37,796,035, ATTA deleted; deleting any 4 consecutive bases within chrX:37,796,028-37,796,035 gives the same sequence; the c. name uses the placement nearest the transcript's 3' end. VCF-style (leftmost placement, unchanged base first): chrX-37796027-TATTA-T. GRCh37 (hg19) VCF-style: chrX-37655280-TATTA-T.
Other names: c.565_568delATTA (NM_000397.3); short protein forms I189fs.
Identifiers: ClinVar variation 280000 (VCV000280000.5), dbSNP rs886041312, ClinGen allele CA10603663.